The following is an entry in ClinVar:

NM_000153.4(GALC):c.102T>G (p.Cys34Trp)

Gene: GALC (galactosylceramidase; minus strand). Cytogenetic location: 14q31.3.
Variant type: single nucleotide variant.
Coding change: c.102T>G on transcript NM_000153.4 (MANE Select); coding-DNA position 102, T replaced by G.
Protein change: p.Cys34Trp; replaces cysteine 34 with tryptophan.
Molecular consequence: missense variant. On other transcripts: intron variant (1).
Genome position (GRCh38, 1-based): chr14:87,993,063, A>C on the plus strand (T>G on the coding strand, the complement: GALC is on the minus strand). VCF-style: chr14-87993063-A-C. GRCh37 (hg19) VCF-style: chr14-88459407-A-C.
Other names: c.102T>G, p.Cys34Trp (NM_001201401.2); c.117+320T>G (NM_001201402.2); short protein forms C34W.
Identifiers: ClinVar variation 2312202 (VCV002312202.4), dbSNP rs772928724, ClinGen allele CA7297505.
Genomic context (GRCh38, chr14:87,993,063, plus strand): 5'-CTCCCGGCCCAGCCCGTCGGAGTCGTCGAGCACGTACGCGCCGCCGGGCGCCAGCAGCGC[A>C]CACAGCAGCAAGGGCACCGCGGCGCGGCCCGCCGAACCCGCGGCCGCAGTCATAGCTTTC-3'
Protein context (NP_000144.2, residues 24-44): AGRAAVPLLL[Cys34Trp]ALLAPGGAYV

ClinVar aggregate classification (germline): Uncertain significance. Review status: criteria provided, multiple submitters, no conflicts (2 of 4 stars). 2 submissions from 2 submitters: Uncertain significance (2). Last evaluated 2025-02-08.

Conditions:
Inborn genetic diseases. Identifiers: MedGen C0950123, MeSH D030342.
Galactosylceramide beta-galactosidase deficiency. Also called: GALACTOCEREBROSIDASE DEFICIENCY; GALC DEFICIENCY; GLOBOID CELL LEUKOENCEPHALOPATHY; Leukodystrophy, Globoid Cell; Krabbe Disease. Identifiers: Orphanet 487, MedGen C0023521, MONDO:0009499, OMIM 245200.

Allele frequency attached by ClinVar (database versions not stated): TOPMed 0.00003; ExAC 0.00004; gnomAD 0.00004.
gnomAD v4.1: 105 of 1,575,642 alleles (0.0067%); highest among the groups gnomAD compares: Non-Finnish European, 0.0085%; no homozygotes.

Submissions (2):

Ambry Genetics
Classification: Uncertain significance for Inborn genetic diseases. Last evaluated: 2025-02-08. Review status: criteria provided, single submitter. Criteria: Ambry Variant Classification Scheme 2023. Collection method: clinical testing. Allele origin: germline.

Labcorp Genetics (formerly Invitae), Labcorp
Classification: Uncertain significance for Galactosylceramide beta-galactosidase deficiency. Last evaluated: 2024-03-19. Review status: criteria provided, single submitter. Criteria: Invitae Variant Classification Sherloc (09022015). Collection method: clinical testing. Allele origin: germline.
Comment: This sequence change replaces cysteine, which is neutral and slightly polar, with tryptophan, which is neutral and slightly polar, at codon 34 of the GALC protein (p.Cys34Trp). This variant is present in population databases (rs772928724, gnomAD 0.01%). This variant has not been reported in the literature in individuals affected with GALC-related conditions. ClinVar contains an entry for this variant (Variation ID: 2312202). Advanced modeling of protein sequence and biophysical properties (such as structural, functional, and spatial information, amino acid conservation, physicochemical variation, residue mobility, and thermodynamic stability) has been performed at Invitae for this missense variant, however the output from this modeling did not meet the statistical confidence thresholds required to predict the impact of this variant on GALC protein function. In summary, the available evidence is currently insufficient to determine the role of this variant in disease. Therefore, it has been classified as a Variant of Uncertain Significance.